The following is an entry in ClinVar:

NM_001077418.3(TMEM231):c.15G>C (p.Glu5Asp)

Gene: TMEM231 (transmembrane protein 231; minus strand). Cytogenetic location: 16q23.1.
Variant type: single nucleotide variant.
Coding change: c.15G>C on transcript NM_001077418.3 (MANE Select); coding-DNA position 15, G replaced by C.
Protein change: p.Glu5Asp; replaces glutamic acid 5 with aspartic acid.
Molecular consequence: missense variant. On other transcripts: non-coding transcript variant (1).
Genome position (GRCh38, 1-based): chr16:75,556,195, C>G on the plus strand (G>C on the coding strand, the complement: TMEM231 is on the minus strand). VCF-style: chr16-75556195-C-G. GRCh37 (hg19) VCF-style: chr16-75590093-C-G.
Other names: c.77G>C, p.Ser26Thr (NM_001077416.2); short protein forms S26T, E5D.
Identifiers: ClinVar variation 1963527 (VCV001963527.5), dbSNP rs754078071, ClinGen allele CA8176318.

ClinVar aggregate classification (germline): Uncertain significance (1 of 4 stars; one submission).

Conditions:
Meckel syndrome, type 11 (MKS11). Identifiers: Orphanet 564, MedGen C3809352, MONDO:0014164, OMIM 615397.
Joubert syndrome 20 (JBTS20). Identifiers: Orphanet 475, MedGen C3554235, MONDO:0013994, OMIM 614970.

Allele frequency attached by ClinVar (database versions not stated): ExAC 0.00003.
gnomAD v4.1: 11 of 1,479,890 alleles (0.00074%); highest among the groups gnomAD compares: Non-Finnish European, 0.00089%; no homozygotes.

Submission:

Labcorp Genetics (formerly Invitae), Labcorp
Classification: Uncertain significance for Joubert syndrome 20; Meckel syndrome, type 11. Last evaluated: 2022-01-03. Review status: criteria provided, single submitter. Criteria: Invitae Variant Classification Sherloc (09022015). Collection method: clinical testing. Allele origin: germline.
Comment: In summary, the available evidence is currently insufficient to determine the role of this variant in disease. Therefore, it has been classified as a Variant of Uncertain Significance. Algorithms developed to predict the effect of missense changes on protein structure and function are either unavailable or do not agree on the potential impact of this missense change (SIFT: "Deleterious"; PolyPhen-2: "Not Available"; Align-GVGD: "Class C0"). This variant has not been reported in the literature in individuals affected with TMEM231-related conditions. This variant is present in population databases (rs754078071, gnomAD 0.002%). This sequence change replaces serine, which is neutral and polar, with threonine, which is neutral and polar, at codon 26 of the TMEM231 protein (p.Ser26Thr).